The following is an entry in ClinVar:

ClinVar aggregate classification (germline): Conflicting classifications of pathogenicity. Review status: criteria provided, conflicting classifications (1 of 4 stars). 2 submissions from 2 submitters: Uncertain significance (1); Likely benign (1). Last evaluated 2025-03-01.

Allele frequency attached by ClinVar (database versions not stated): ExAC 0.00004.

Submissions (2):

CeGaT Center for Human Genetics Tuebingen
Classification: Likely benign. Last evaluated: 2025-03-01. Review status: criteria provided, single submitter. Criteria: CeGaT Center For Human Genetics Tuebingen Variant Classification Criteria Version 2. Collection method: clinical testing. Allele origin: germline. Affected: yes. Observed: 3 variant alleles.
Comment: MUC5B: BP4, BS1

Ambry Genetics
Classification: Uncertain significance. Last evaluated: 2021-08-09. Review status: criteria provided, single submitter. Criteria: Ambry Variant Classification Scheme 2023. Collection method: clinical testing. Allele origin: germline.

NM_002458.3(MUC5B):c.8546G>A (p.Arg2849His)

Genes: MUC5B (mucin 5B, oligomeric mucus/gel-forming; plus strand), MUC5B-AS1 (MUC5B antisense RNA 1; minus strand). Cytogenetic location: 11p15.5.
Variant type: single nucleotide variant.
Coding change: c.8546G>A on transcript NM_002458.3 (MANE Select); coding-DNA position 8546, G replaced by A.
Protein change: p.Arg2849His; replaces arginine 2849 with histidine.
Molecular consequence: missense variant.
Genome position (GRCh38, 1-based): chr11:1,245,426, G>A. VCF-style: chr11-1245426-G-A. GRCh37 (hg19) VCF-style: chr11-1266656-G-A.
Other names: short protein forms R2849H.
Identifiers: ClinVar variation 2401047 (VCV002401047.16), dbSNP rs780570757, ClinGen allele CA5806679.
Genomic context (GRCh38, chr11:1,245,426, plus strand): 5'-CCCCGGGCCACACCAGGGCCACCTCCAGGACCACGGCCACGGCCACACCCAGCAAGACCC[G>A]CACCTCGACCCTGCTGCCCAGCAGCCCCACATCGGCCCCAATAACCACGGTGGTGACCAT-3'
Protein context (NP_002449.2, residues 2839-2859): TTATATPSKT[Arg2849His]TSTLLPSSPT